The following is an entry in ClinVar:

NM_003410.4(ZFX):c.2312C>T (p.Thr771Met)

Gene: ZFX (zinc finger protein X-linked; plus strand). Cytogenetic location: Xp22.11.
Variant type: single nucleotide variant.
Coding change: c.2312C>T on transcript NM_003410.4 (MANE Select); coding-DNA position 2312, C replaced by T.
Protein change: p.Thr771Met; replaces threonine 771 with methionine.
Molecular consequence: missense variant. On other transcripts: 3 prime UTR variant (1).
Genome position (GRCh38, 1-based): chrX:24,211,270, C>T. VCF-style: chrX-24211270-C-T. GRCh37 (hg19) VCF-style: chrX-24229387-C-T.
Other names: c.2312C>T, p.Thr771Met (NM_001178084.2, NM_001178085.1); c.1625C>T, p.Thr542Met (NM_001178086.2); c.*1072C>T (NM_001178095.2); c.2429C>T, p.Thr810Met (NM_001330327.2); short protein forms T771M, T542M, T810M.
Identifiers: ClinVar variation 3066049 (VCV003066049.2), dbSNP rs2519900420, ClinGen allele CA412530320.

ClinVar aggregate classification (germline): Pathogenic. Review status: criteria provided, single submitter (1 of 4 stars). 2 submissions from 2 submitters: Pathogenic (1). 1 of the submissions does not count toward it. Last evaluated 2025-02-28.

Conditions:
Intellectual developmental disorder, X-linked, syndromic 37. Identifiers: MedGen C5935567, MONDO:0958322, OMIM 301118.

Submissions (2):

GeneDx
Classification: Pathogenic. Last evaluated: 2025-02-28. Review status: criteria provided, single submitter. Criteria: GeneDx Variant Classification Process June 2021. Collection method: clinical testing. Allele origin: germline. Affected: yes.
Comment: In silico analysis supports that this missense variant has a deleterious effect on protein structure/function; Not observed at significant frequency in large population cohorts (gnomAD); This variant is associated with the following publications: (PMID: 38325380, 39056049)

OMIM
Classification: Pathogenic for INTELLECTUAL DEVELOPMENTAL DISORDER, X-LINKED, SYNDROMIC 37. Last evaluated: 2024-04-01. Review status: no assertion criteria provided. Collection method: literature only. Allele origin: germline. Not counted in ClinVar's aggregate classification.

Literature cited by the submitters: PubMed 38325380 (cited by OMIM).